The following is an entry in ClinVar:

ClinVar aggregate classification (germline): Pathogenic (1 of 4 stars; one submission).

Conditions:
Marfan syndrome (MFS). Also called: MARFAN SYNDROME, TYPE I; Marfan syndrome type 1; Marfan's syndrome; Marfan syndrome, classic; FBN1-Related Marfan Syndrome. Identifiers: Orphanet 284963, Orphanet 558, MedGen C0024796, MONDO:0007947, OMIM 154700.
Familial thoracic aortic aneurysm and aortic dissection (TAAD). Also called: Thoracic aortic aneurysms and dissections. Identifiers: Orphanet 91387, MedGen C4707243, MONDO:0019625.

Submission:

Labcorp Genetics (formerly Invitae), Labcorp
Classification: Pathogenic for Marfan syndrome; Familial thoracic aortic aneurysm and aortic dissection. Last evaluated: 2023-07-17. Review status: criteria provided, single submitter. Criteria: Invitae Variant Classification Sherloc (09022015). Collection method: clinical testing. Allele origin: germline.
Comment: This sequence change replaces cysteine, which is neutral and slightly polar, with phenylalanine, which is neutral and non-polar, at codon 750 of the FBN1 protein (p.Cys750Phe). This variant is not present in population databases (gnomAD no frequency). This missense change has been observed in individual(s) with clinical features of Marfan syndrome (Invitae). Advanced modeling of protein sequence and biophysical properties (such as structural, functional, and spatial information, amino acid conservation, physicochemical variation, residue mobility, and thermodynamic stability) performed at Invitae indicates that this missense variant is expected to disrupt FBN1 protein function. This variant affects a cysteine residue in the EGF-like, TGFBP or hybrid motif domains of FBN1. Cysteine residues are believed to be involved in intramolecular disulfide bridges and have been shown to be important for FBN1 protein structure (PMID: 16905551, 19349279). In addition, missense substitutions affecting cysteine residues within these domains are significantly overrepresented among patients with Marfan syndrome (PMID: 16571647, 17701892). This variant disrupts the p.Cys750 amino acid residue in FBN1. Other variant(s) that disrupt this residue have been observed in individuals with FBN1-related conditions (PMID: 19293843, 27906200), which suggests that this may be a clinically significant amino acid residue. For these reasons, this variant has been classified as Pathogenic.

Literature cited by the submitters: PubMed 16905551; PubMed 19349279; PubMed 16571647; PubMed 17701892; PubMed 19293843; PubMed 27906200.

NM_000138.5(FBN1):c.2249G>T (p.Cys750Phe)

Gene: FBN1 (fibrillin 1; minus strand). Cytogenetic location: 15q21.1.
Variant type: single nucleotide variant.
Coding change: c.2249G>T on transcript NM_000138.5 (MANE Select); coding-DNA position 2249, G replaced by T.
Protein change: p.Cys750Phe; replaces cysteine 750 with phenylalanine.
Molecular consequence: missense variant.
Genome position (GRCh38, 1-based): chr15:48,497,310, C>A on the plus strand (G>T on the coding strand, the complement: FBN1 is on the minus strand). VCF-style: chr15-48497310-C-A. GRCh37 (hg19) VCF-style: chr15-48789507-C-A.
Other names: c.2249G>T, p.Cys750Phe (NM_001406716.1); short protein forms C750F.
Identifiers: ClinVar variation 2949990 (VCV002949990.3), dbSNP rs2043616369, ClinGen allele CA392335674.
Genomic context (GRCh38, chr15:48,497,310, plus strand): 5'-GGGTAAAACTTCTCACCAACGCAGTTTTTCCCAGTTGAATCCACTTCATATCCTGAATTG[C>A]ATATACATTTATAGGTCCCACGAAGGTTTTCACAGATTCCATTTGGGCAAATATCAGGAT-3'
Protein context (NP_000129.3, residues 740-760): ENLRGTYKCI[Cys750Phe]NSGYEVDSTG